The following is an entry in ClinVar:

NM_020706.2(SCAF4):c.944C>T (p.Pro315Leu)

Gene: SCAF4 (SR-related CTD associated factor 4; minus strand). Cytogenetic location: 21q22.11.
Variant type: single nucleotide variant.
Coding change: c.944C>T on transcript NM_020706.2 (MANE Select); coding-DNA position 944, C replaced by T.
Protein change: p.Pro315Leu; replaces proline 315 with leucine.
Molecular consequence: missense variant.
Genome position (GRCh38, 1-based): chr21:31,696,584, G>A on the plus strand (C>T on the coding strand, the complement: SCAF4 is on the minus strand). VCF-style: chr21-31696584-G-A. GRCh37 (hg19) VCF-style: chr21-33068897-G-A.
Other names: c.899C>T, p.Pro300Leu (NM_001145444.1); c.944C>T, p.Pro315Leu (NM_001145445.1); short protein forms P300L, P315L.
Identifiers: ClinVar variation 3370185 (VCV003370185.1).
Genomic context (GRCh38, chr21:31,696,584, plus strand): 5'-TATTACCAATTTTCTATCTGCTGAGGAATAAAAAAAAAAACTAACAATGGTGCCTGTGGA[G>A]GAGGAGGAGAGGCAGCAGCGGGTGCAGCAGCAGCAGGCACGGTGGCGGTGGGTGCAGGGG-3'
Protein context (NP_065757.1, residues 305-325): AAAPAAASPP[Pro315Leu]PQAPFGFPGD

ClinVar aggregate classification (germline): Uncertain significance (1 of 4 stars; one submission).

gnomAD v4.1: 1 of 1,608,378 alleles (0.000062%); highest among the groups gnomAD compares: Non-Finnish European, 0.000085%; no homozygotes.

Submission:

GeneDx
Classification: Uncertain significance. Last evaluated: 2023-12-28. Review status: criteria provided, single submitter. Criteria: GeneDx Variant Classification Process June 2021. Collection method: clinical testing. Allele origin: germline. Affected: yes.
Comment: Not observed at significant frequency in large population cohorts (gnomAD); In silico analysis supports that this missense variant does not alter protein structure/function; Has not been previously published as pathogenic or benign to our knowledge